The following is an entry in ClinVar:

ClinVar aggregate classification (germline): Uncertain significance (1 of 4 stars; one submission).

Submission:

CeGaT Center for Human Genetics Tuebingen
Classification: Uncertain significance. Last evaluated: 2022-09-01. Review status: criteria provided, single submitter. Criteria: CeGaT Center For Human Genetics Tuebingen Variant Classification Criteria Version 2. Collection method: clinical testing. Allele origin: germline. Affected: yes. Observed: 1 variant allele.
Comment: CERT1: PM2

NM_001379029.1(CERT1):c.999A>C (p.Gln333His)

Gene: CERT1 (ceramide transporter 1; minus strand). Cytogenetic location: 5q13.3.
Variant type: single nucleotide variant.
Coding change: c.999A>C on transcript NM_001379029.1 (MANE Select); coding-DNA position 999, A replaced by C.
Protein change: p.Gln333His; replaces glutamine 333 with histidine.
Molecular consequence: missense variant.
Genome position (GRCh38, 1-based): chr5:75,402,990, T>G on the plus strand (A>C on the coding strand, the complement: CERT1 is on the minus strand). VCF-style: chr5-75402990-T-G. GRCh37 (hg19) VCF-style: chr5-74698815-T-G.
Other names: c.1383A>C, p.Gln461His (NM_001130105.1); c.999A>C, p.Gln333His (NM_001379002.1, NM_001379003.1, NM_001379004.1 and 2 more transcripts); short protein forms Q333H, Q461H.
Identifiers: ClinVar variation 2655538 (VCV002655538.24), dbSNP rs2479008037, ClinGen allele CA360146829.
Genomic context (GRCh38, chr5:75,402,990, plus strand): 5'-TTAAAATAAATTTCAGCTTAGAATTTTCAATAATAGATATACCTGTTCTTCTATTTTATC[T>G]TGTCTGTCAAGAGCAGCTTCAACAGCATCAAAGAACTCTTCTTCATTAATCAGACTGTTA-3'
Protein context (NP_001365958.1, residues 323-343): FDAVEAALDR[Gln333His]DKIEEQSQSE